The following is an entry in ClinVar:

NM_000525.4(KCNJ11):c.*218G>T

Gene: KCNJ11 (potassium inwardly rectifying channel subfamily J member 11; minus strand). Cytogenetic location: 11p15.1.
Variant type: single nucleotide variant.
Coding change: c.*218G>T on transcript NM_000525.4 (MANE Select); 218 bases downstream of the stop codon, G replaced by T.
Molecular consequence: 3 prime UTR variant.
Genome position (GRCh38, 1-based): chr11:17,386,701, C>A on the plus strand (G>T on the coding strand, the complement: KCNJ11 is on the minus strand). VCF-style: chr11-17386701-C-A. GRCh37 (hg19) VCF-style: chr11-17408248-C-A.
Other names: c.*218G>T (NM_001166290.2, NM_001377296.1, NM_001377297.1).
Identifiers: ClinVar variation 303726 (VCV000303726.7), dbSNP rs886048039, ClinGen allele CA10638586.

ClinVar aggregate classification (germline): Uncertain significance. Review status: criteria provided, multiple submitters, no conflicts (2 of 4 stars). 5 submissions from 3 submitters: Uncertain significance (5). Last evaluated 2022-05-10.

Conditions:
Maturity-onset diabetes of the young (MODY). Also called: Maturity onset diabetes mellitus in young. Identifiers: Orphanet 552, MedGen C0342276, MONDO:0018911, HP:0004904.
Maturity-onset diabetes of the young type 13. Also called: MODY, TYPE 13. Identifiers: Orphanet 552, MedGen C4225365, MONDO:0014589, OMIM 616329.
Diabetes mellitus, permanent neonatal 2. Also called: KCNJ11-Related Permanent Neonatal Diabetes Mellitus. Identifiers: MedGen C5394296, MONDO:0030087, OMIM 618856.
Hyperinsulinemic hypoglycemia, familial, 2. Also called: HYPERINSULINEMIC HYPOGLYCEMIA, PERSISTENT; HYPERINSULINISM, NEONATAL. Identifiers: Orphanet 276580, Orphanet 276603, MedGen C2931833, MONDO:0011153, OMIM 601820. Disease mechanism: loss of function.
Diabetes mellitus, transient neonatal, 3 (TNDM3). Identifiers: Orphanet 99886, MedGen C1864623, MONDO:0012522, OMIM 610582. Disease mechanism: loss of function.
Type 2 diabetes mellitus. Also called: Type II diabetes mellitus. Identifiers: MedGen C0011860, MeSH D003924, MONDO:0005148, OMIM 125853, HP:0005978.

Allele frequency attached by ClinVar (database versions not stated): TOPMed 0.00006; gnomAD exomes 0.00007; gnomAD 0.00008 and 0.00009.
gnomAD v4.1: 40 of 572,460 alleles (0.007%); highest among the groups gnomAD compares: Non-Finnish European, 0.0037%; no homozygotes.

Submissions (5):

Fulgent Genetics
Classification: Uncertain significance for Type 2 diabetes mellitus; Hyperinsulinemic hypoglycemia, familial, 2; Diabetes mellitus, transient neonatal, 3; Maturity-onset diabetes of the young type 13; Diabetes mellitus, permanent neonatal 2. Last evaluated: 2022-05-10. Review status: criteria provided, single submitter. Criteria: ACMG Guidelines, 2015. Collection method: clinical testing. Allele origin: unknown.

Illumina Laboratory Services, Illumina
Classification: Uncertain significance for Diabetes mellitus, transient neonatal, 3. Last evaluated: 2018-01-13. Review status: criteria provided, single submitter. Criteria: ICSL Variant Classification Criteria 13 December 2019. Collection method: clinical testing. Allele origin: germline.

Illumina Laboratory Services, Illumina
Classification: Uncertain significance for Hyperinsulinemic hypoglycemia, familial, 2. Last evaluated: 2018-01-13. Review status: criteria provided, single submitter. Criteria: ICSL Variant Classification Criteria 13 December 2019. Collection method: clinical testing. Allele origin: germline.

Illumina Laboratory Services, Illumina
Classification: Uncertain significance for Maturity-onset diabetes of the young type 13. Last evaluated: 2018-01-13. Review status: criteria provided, single submitter. Criteria: ICSL Variant Classification Criteria 13 December 2019. Collection method: clinical testing. Allele origin: germline.

Clinical Genomics, Uppaluri K&H Personalized Medicine Clinic
Classification: Uncertain significance for Maturity-onset diabetes of the young. Review status: criteria provided, single submitter. Criteria: K & H Uppaluri Personalized Medicine Clinic Variant Classification & Assertion Criteria_Updated V.1. Collection method: research. Allele origin: somatic. Inheritance: Autosomal dominant inheritance.
Comment: Mutations in KCNJ11 gene can cause decreased production and secretion of insulin. This can lead to MODY which may be responsive to oral sulfonylureas. It is also associated with Neonatal Diabetes. However, no sufficient evidence is found to ascertain the role of this particular variant (rs886048039) in MODY yet.

Literature cited by the submitters: PubMed 26448950 (cited by Clinical Genomics, Uppaluri K&H Personalized Medicine Clinic); PubMed 15580558 (cited by Clinical Genomics, Uppaluri K&H Personalized Medicine Clinic); PubMed 15718250 (cited by Clinical Genomics, Uppaluri K&H Personalized Medicine Clinic); PubMed 32935446 (cited by Clinical Genomics, Uppaluri K&H Personalized Medicine Clinic); PubMed 22701567 (cited by Clinical Genomics, Uppaluri K&H Personalized Medicine Clinic).